The following is an entry in ClinVar:

ClinVar aggregate classification (germline): Uncertain significance (1 of 4 stars; one submission).

Submission:

Labcorp Genetics (formerly Invitae), Labcorp
Classification: Uncertain significance. Last evaluated: 2022-06-08. Review status: criteria provided, single submitter. Criteria: Invitae Variant Classification Sherloc (09022015). Collection method: clinical testing. Allele origin: germline.
Comment: In summary, the available evidence is currently insufficient to determine the role of this variant in disease. Therefore, it has been classified as a Variant of Uncertain Significance. Algorithms developed to predict the effect of missense changes on protein structure and function are either unavailable or do not agree on the potential impact of this missense change (SIFT: "Tolerated"; PolyPhen-2: "Probably Damaging"; Align-GVGD: "Class C0"). This variant has not been reported in the literature in individuals affected with CHD8-related conditions. This variant is not present in population databases (gnomAD no frequency). This sequence change replaces arginine, which is basic and polar, with glutamine, which is neutral and polar, at codon 1897 of the CHD8 protein (p.Arg1897Gln).

NM_001170629.2(CHD8):c.5690G>A (p.Arg1897Gln)

Gene: CHD8 (chromodomain helicase DNA binding protein 8; minus strand). Cytogenetic location: 14q11.2.
Variant type: single nucleotide variant.
Coding change: c.5690G>A on transcript NM_001170629.2 (MANE Select); coding-DNA position 5690, G replaced by A.
Protein change: p.Arg1897Gln; replaces arginine 1897 with glutamine.
Molecular consequence: missense variant.
Genome position (GRCh38, 1-based): chr14:21,394,105, C>T on the plus strand (G>A on the coding strand, the complement: CHD8 is on the minus strand). VCF-style: chr14-21394105-C-T. GRCh37 (hg19) VCF-style: chr14-21862264-C-T.
Other names: c.4853G>A, p.Arg1618Gln (NM_020920.4); short protein forms R1897Q, R1618Q.
Identifiers: ClinVar variation 2002898 (VCV002002898.4), dbSNP rs2501858162, ClinGen allele CA388882179.
Genomic context (GRCh38, chr14:21,394,105, plus strand): 5'-CCAGGAGGCTGACACAATGCCAGCCGATCTTCCAAAAGGGGGTGGCATAAAACTTGTTCC[C>T]GTAAGCGCCGAAGCAATTCTATACGGTAGAGAGTCCGTGAGGCTCTCTCCTCAGTGATGG-3'
Protein context (NP_001164100.1, residues 1887-1907): LYRIELLRRL[Arg1897Gln]EQVLCHPLLE